The following is an entry in ClinVar:

ClinVar aggregate classification (germline): Likely pathogenic (1 of 4 stars; one submission).

Conditions:
Duane-radial ray syndrome (DRRS). Also called: Duane-Radial Ray Syndrome/Okihiro Syndrome; Duane-Radial Ray Syndrome (DRRS) / Okihiro Syndrome; ACRORENOOCULAR SYNDROME; DR SYNDROME; DUANE ANOMALY WITH RADIAL RAY ABNORMALITIES AND DEAFNESS; Okihiro Syndrome. Identifiers: Orphanet 93293, Orphanet 959, MedGen C1623209, MONDO:0011812, OMIM 607323. Disease mechanism: gain of function.

Submission:

Labcorp Genetics (formerly Invitae), Labcorp
Classification: Likely pathogenic for Duane-radial ray syndrome. Last evaluated: 2021-12-01. Review status: criteria provided, single submitter. Criteria: Invitae Variant Classification Sherloc (09022015). Collection method: clinical testing. Allele origin: germline.
Comment: Algorithms developed to predict the effect of sequence changes on RNA splicing suggest that this variant may disrupt the consensus splice site. In summary, the currently available evidence indicates that the variant is pathogenic, but additional data are needed to prove that conclusively. Therefore, this variant has been classified as Likely Pathogenic. This variant has not been reported in the literature in individuals affected with SALL4-related conditions. This sequence change affects an acceptor splice site in intron 1 of the SALL4 gene. It is expected to disrupt RNA splicing. Variants that disrupt the donor or acceptor splice site typically lead to a loss of protein function (PMID: 16199547), and loss-of-function variants in SALL4 are known to be pathogenic (PMID: 15342710, 16086360). This variant is not present in population databases (gnomAD no frequency).

Literature cited by the submitters: PubMed 16199547; PubMed 15342710; PubMed 16086360.

NM_020436.5(SALL4):c.131-2A>G

Gene: SALL4 (spalt like transcription factor 4; minus strand). Cytogenetic location: 20q13.2.
Variant type: single nucleotide variant.
Coding change: c.131-2A>G on transcript NM_020436.5 (MANE Select); the canonical splice acceptor site of the intron before coding-DNA position 131, A replaced by G.
Molecular consequence: splice acceptor variant.
Genome position (GRCh38, 1-based): chr20:51,792,354, T>C on the plus strand (A>G on the coding strand, the complement: SALL4 is on the minus strand). VCF-style: chr20-51792354-T-C. GRCh37 (hg19) VCF-style: chr20-50408893-T-C.
Other names: c.131-2A>G (NM_001318031.2).
Identifiers: ClinVar variation 1502089 (VCV001502089.6), dbSNP rs2122967143, ClinGen allele CA409018117.